The following is an entry in ClinVar:

NM_001851.6(COL9A1):c.1942C>G (p.Pro648Ala)

Gene: COL9A1 (collagen type IX alpha 1 chain; minus strand). Cytogenetic location: 6q13.
Variant type: single nucleotide variant.
Coding change: c.1942C>G on transcript NM_001851.6 (MANE Select); coding-DNA position 1942, C replaced by G.
Protein change: p.Pro648Ala; replaces proline 648 with alanine.
Molecular consequence: missense variant. On other transcripts: non-coding transcript variant (1).
Genome position (GRCh38, 1-based): chr6:70,242,020, G>C on the plus strand (C>G on the coding strand, the complement: COL9A1 is on the minus strand). VCF-style: chr6-70242020-G-C. GRCh37 (hg19) VCF-style: chr6-70951723-G-C.
Other names: c.1243C>G, p.Pro415Ala (NM_001377289.1); c.1213C>G, p.Pro405Ala (NM_001377290.1, NM_078485.4); short protein forms P405A, P415A, P648A.
Identifiers: ClinVar variation 2673066 (VCV002673066.23), dbSNP rs1030380513, ClinGen allele CA364675724.

ClinVar aggregate classification (germline): Uncertain significance (1 of 4 stars; one submission).

gnomAD v4.1: 3 of 1,596,848 alleles (0.00019%); highest among the groups gnomAD compares: South Asian, 0.0034%; no homozygotes.

Submission:

CeGaT Center for Human Genetics Tuebingen
Classification: Uncertain significance. Last evaluated: 2023-11-01. Review status: criteria provided, single submitter. Criteria: CeGaT Center For Human Genetics Tuebingen Variant Classification Criteria Version 2. Collection method: clinical testing. Allele origin: germline. Affected: yes. Observed: 1 variant allele.
Comment: COL9A1: PM2